The following is an entry in ClinVar:

NM_182961.4(SYNE1):c.20315T>G (p.Leu6772Arg)

Gene: SYNE1 (spectrin repeat containing nuclear envelope protein 1; minus strand). Cytogenetic location: 6q25.2.
Variant type: single nucleotide variant.
Coding change: c.20315T>G on transcript NM_182961.4 (MANE Select); coding-DNA position 20315, T replaced by G.
Protein change: p.Leu6772Arg; replaces leucine 6772 with arginine.
Molecular consequence: missense variant.
Genome position (GRCh38, 1-based): chr6:152,236,188, A>C on the plus strand (T>G on the coding strand, the complement: SYNE1 is on the minus strand). VCF-style: chr6-152236188-A-C. GRCh37 (hg19) VCF-style: chr6-152557323-A-C.
Other names: c.20102T>G, p.Leu6701Arg (NM_033071.5); short protein forms L6701R, L6772R.
Identifiers: ClinVar variation 1973742 (VCV001973742.5), dbSNP rs2551694738, ClinGen allele CA366122048.

ClinVar aggregate classification (germline): Uncertain significance (1 of 4 stars; one submission).

Conditions:
Emery-Dreifuss muscular dystrophy 4, autosomal dominant (EDMD4). Also called: EMERY-DREIFUSS MUSCULAR DYSTROPHY 4 WITH VARIABLE FEATURES. Identifiers: Orphanet 261, MedGen C2751807, MONDO:0013071, OMIM 612998.
Autosomal recessive ataxia, Beauce type. Also called: SYNE1 Deficiency; Spinocerebellar ataxia, autosomal recessive 8; ATAXIA, RECESSIVE, OF BEAUCE; SYNE1-Related Autosomal Recessive Cerebellar Ataxia. Identifiers: Orphanet 88644, MedGen C1853116, MONDO:0012549, OMIM 610743.

Submission:

Labcorp Genetics (formerly Invitae), Labcorp
Classification: Uncertain significance for Emery-Dreifuss muscular dystrophy 4, autosomal dominant; Autosomal recessive ataxia, Beauce type. Last evaluated: 2022-06-28. Review status: criteria provided, single submitter. Criteria: Invitae Variant Classification Sherloc (09022015). Collection method: clinical testing. Allele origin: germline.
Comment: In summary, the available evidence is currently insufficient to determine the role of this variant in disease. Therefore, it has been classified as a Variant of Uncertain Significance. Algorithms developed to predict the effect of missense changes on protein structure and function (SIFT, PolyPhen-2, Align-GVGD) all suggest that this variant is likely to be disruptive. This variant has not been reported in the literature in individuals affected with SYNE1-related conditions. This variant is not present in population databases (gnomAD no frequency). This sequence change replaces leucine, which is neutral and non-polar, with arginine, which is basic and polar, at codon 6701 of the SYNE1 protein (p.Leu6701Arg).